The following is an entry in ClinVar:

NM_015909.4(NBAS):c.3761C>T (p.Thr1254Ile)

Gene: NBAS (NBAS subunit of NRZ tethering complex; minus strand). Cytogenetic location: 2p24.3.
Variant type: single nucleotide variant.
Coding change: c.3761C>T on transcript NM_015909.4 (MANE Select); coding-DNA position 3761, C replaced by T.
Protein change: p.Thr1254Ile; replaces threonine 1254 with isoleucine.
Molecular consequence: missense variant. On other transcripts: non-coding transcript variant (1).
Genome position (GRCh38, 1-based): chr2:15,366,636, G>A on the plus strand (C>T on the coding strand, the complement: NBAS is on the minus strand). VCF-style: chr2-15366636-G-A. GRCh37 (hg19) VCF-style: chr2-15506760-G-A.
Other names: short protein forms T1254I.
Identifiers: ClinVar variation 1500647 (VCV001500647.8), dbSNP rs2148339809, ClinGen allele CA345894396.

ClinVar aggregate classification (germline): Uncertain significance (1 of 4 stars; one submission).

gnomAD v4.1: 2 of 1,614,128 alleles (0.00012%); highest among the groups gnomAD compares: African/African-American, 0.0013%; no homozygotes.

Submission:

Labcorp Genetics (formerly Invitae), Labcorp
Classification: Uncertain significance. Last evaluated: 2024-04-25. Review status: criteria provided, single submitter. Criteria: Invitae Variant Classification Sherloc (09022015). Collection method: clinical testing. Allele origin: germline.
Comment: This sequence change replaces threonine, which is neutral and polar, with isoleucine, which is neutral and non-polar, at codon 1254 of the NBAS protein (p.Thr1254Ile). This variant is not present in population databases (gnomAD no frequency). This variant has not been reported in the literature in individuals affected with NBAS-related conditions. ClinVar contains an entry for this variant (Variation ID: 1500647). Advanced modeling of protein sequence and biophysical properties (such as structural, functional, and spatial information, amino acid conservation, physicochemical variation, residue mobility, and thermodynamic stability) performed at Invitae indicates that this missense variant is not expected to disrupt NBAS protein function with a negative predictive value of 95%. In summary, the available evidence is currently insufficient to determine the role of this variant in disease. Therefore, it has been classified as a Variant of Uncertain Significance.